The following is an entry in ClinVar:

ClinVar aggregate classification (germline): Conflicting classifications of pathogenicity. Review status: criteria provided, conflicting classifications (1 of 4 stars). 5 submissions from 5 submitters: Uncertain significance (1); Benign (1); Likely benign (3). Last evaluated 2026-01-31.

Conditions:
Primary ciliary dyskinesia 3. Identifiers: Orphanet 244, MedGen C1837618, MONDO:0012085, OMIM 608644.
Primary ciliary dyskinesia. Also called: Ciliary dyskinesia. Identifiers: Orphanet 244, MedGen C0008780, MONDO:0016575, HP:0012265.

Allele frequency attached by ClinVar (database versions not stated): gnomAD exomes 0.00013 and 0.00021; 1000 Genomes Project 0.00020; ExAC 0.00028; 1000 Genomes Project 30x 0.00047; ESP Exome Variant Server 0.00100; gnomAD 0.00111 and 0.00122; TOPMed 0.00124.
gnomAD v4.1: 358 of 1,597,504 alleles (0.022%); highest among the groups gnomAD compares: African/African-American, 0.45%; 1 homozygote.

Submissions (5):

Labcorp Genetics (formerly Invitae), Labcorp
Classification: Benign for Primary ciliary dyskinesia. Last evaluated: 2026-01-31. Review status: criteria provided, single submitter. Criteria: Invitae Variant Classification Sherloc (09022015). Collection method: clinical testing. Allele origin: germline.

Mayo Clinic Laboratories, Mayo Clinic
Classification: Likely benign. Last evaluated: 2025-09-30. Review status: criteria provided, single submitter. Criteria: ACMG Guidelines, 2015. Collection method: clinical testing. Allele origin: germline. Observed: 1 variant allele.
Comment: BS1, BP4, BP7

Blueprint Genetics
Classification: Likely benign. Last evaluated: 2024-06-26. Review status: criteria provided, single submitter. Criteria: ACMG Guidelines, 2015. Collection method: clinical testing. Allele origin: germline.

Illumina Laboratory Services, Illumina
Classification: Uncertain significance for Primary ciliary dyskinesia 3. Last evaluated: 2018-01-13. Review status: criteria provided, single submitter. Criteria: ICSL Variant Classification Criteria 13 December 2019. Collection method: clinical testing. Allele origin: germline.

PreventionGenetics, part of Exact Sciences
Classification: Likely benign. Review status: criteria provided, single submitter. Criteria: ACMG Guidelines, 2015. Collection method: clinical testing. Allele origin: germline.

NM_001369.3(DNAH5):c.7753-9C>G

Gene: DNAH5 (dynein axonemal heavy chain 5; minus strand). Cytogenetic location: 5p15.2.
Variant type: single nucleotide variant.
Coding change: c.7753-9C>G on transcript NM_001369.3 (MANE Select); 9 bases into the intron before coding-DNA position 7753, C replaced by G.
Molecular consequence: intron variant.
Genome position (GRCh38, 1-based): chr5:13,807,734, G>C on the plus strand (C>G on the coding strand, the complement: DNAH5 is on the minus strand). VCF-style: chr5-13807734-G-C. GRCh37 (hg19) VCF-style: chr5-13807843-G-C.
Other names: p.?.
Identifiers: ClinVar variation 258060 (VCV000258060.19), dbSNP rs377367981, ClinGen allele CA3203003.